The following is an entry in ClinVar:

ClinVar aggregate classification (germline): Uncertain significance (1 of 4 stars; one submission).

Submission:

Ambry Genetics
Classification: Uncertain significance. Last evaluated: 2023-02-21. Review status: criteria provided, single submitter. Criteria: Ambry Variant Classification Scheme 2023. Collection method: clinical testing. Allele origin: germline.
Comment: The p.Q706L variant (also known as c.2117A>T), located in coding exon 4 of the ALPK2 gene, results from an A to T substitution at nucleotide position 2117. The glutamine at codon 706 is replaced by leucine, an amino acid with dissimilar properties. This amino acid position is conserved. In addition, this alteration is predicted to be tolerated by in silico analysis. Since supporting evidence is limited at this time, the clinical significance of this alteration remains unclear.

NM_052947.4(ALPK2):c.2117A>T (p.Gln706Leu)

Gene: ALPK2 (alpha kinase 2; minus strand). Cytogenetic location: 18q21.31.
Variant type: single nucleotide variant.
Coding change: c.2117A>T on transcript NM_052947.4 (MANE Select); coding-DNA position 2117, A replaced by T.
Protein change: p.Gln706Leu; replaces glutamine 706 with leucine.
Molecular consequence: missense variant.
Genome position (GRCh38, 1-based): chr18:58,538,070, T>A on the plus strand (A>T on the coding strand, the complement: ALPK2 is on the minus strand). VCF-style: chr18-58538070-T-A. GRCh37 (hg19) VCF-style: chr18-56205302-T-A.
Other names: short protein forms Q706L.
Identifiers: ClinVar variation 2449289 (VCV002449289.2), dbSNP rs2518878094, ClinGen allele CA402571625.